The following is an entry in ClinVar:

NM_152419.3(HGSNAT):c.710C>T (p.Pro237Leu)

Gene: HGSNAT (heparan-alpha-glucosaminide N-acetyltransferase; plus strand). Cytogenetic location: 8p11.21.
Variant type: single nucleotide variant.
Coding change: c.710C>T on transcript NM_152419.3 (MANE Select); coding-DNA position 710, C replaced by T.
Protein change: p.Pro237Leu; replaces proline 237 with leucine.
Molecular consequence: missense variant. On other transcripts: 5 prime UTR variant (1).
Genome position (GRCh38, 1-based): chr8:43,170,661, C>T. VCF-style: chr8-43170661-C-T. GRCh37 (hg19) VCF-style: chr8-43025804-C-T.
Other names: c.710C>T, p.Pro237Leu (NM_001363227.2, NM_001363228.2); c.-124C>T (NM_001363229.2); short protein forms P237L.
Identifiers: ClinVar variation 908707 (VCV000908707.8), dbSNP rs727503962, ClinGen allele CA4736592.

ClinVar aggregate classification (germline): Uncertain significance. Review status: criteria provided, multiple submitters, no conflicts (2 of 4 stars). 5 submissions from 5 submitters: Uncertain significance (5). Last evaluated 2022-08-10.

Conditions:
Inborn genetic diseases. Identifiers: MedGen C0950123, MeSH D030342.
Mucopolysaccharidosis, MPS-III-C (MPS3C). Also called: mucopolysaccharidosis type 3C; MUCOPOLYSACCHARIDOSIS, TYPE IIIC; SANFILIPPO SYNDROME C; MPS III C; Mucopolysaccharidosis type IIIC (Sanfilippo C); MPS IIIC (Sanfilippo Syndrome Type C). Identifiers: Orphanet 581, Orphanet 79271, MedGen C0086649, MONDO:0009657, OMIM 252930.
Retinitis pigmentosa 73 (RP73). Identifiers: Orphanet 791, MedGen C4225287, MONDO:0014687, OMIM 616544.

Allele frequency attached by ClinVar (database versions not stated): TOPMed 0.00007.
gnomAD v4.1: 117 of 1,607,410 alleles (0.0073%); highest among the groups gnomAD compares: Non-Finnish European, 0.0088%; no homozygotes.

Submissions (5):

Labcorp Genetics (formerly Invitae), Labcorp
Classification: Uncertain significance for Retinitis pigmentosa 73; Mucopolysaccharidosis, MPS-III-C. Last evaluated: 2022-08-10. Review status: criteria provided, single submitter. Criteria: Invitae Variant Classification Sherloc (09022015). Collection method: clinical testing. Allele origin: germline.
Comment: This sequence change replaces proline, which is neutral and non-polar, with leucine, which is neutral and non-polar, at codon 237 of the HGSNAT protein (p.Pro237Leu). The frequency data for this variant in the population databases is considered unreliable, as metrics indicate poor data quality at this position in the gnomAD database. This variant has not been reported in the literature in individuals affected with HGSNAT-related conditions. ClinVar contains an entry for this variant (Variation ID: 908707). Advanced modeling of protein sequence and biophysical properties (such as structural, functional, and spatial information, amino acid conservation, physicochemical variation, residue mobility, and thermodynamic stability) performed at Invitae indicates that this missense variant is not expected to disrupt HGSNAT protein function. In summary, the available evidence is currently insufficient to determine the role of this variant in disease. Therefore, it has been classified as a Variant of Uncertain Significance.

Ambry Genetics
Classification: Uncertain significance for Inborn genetic diseases. Last evaluated: 2022-05-20. Review status: criteria provided, single submitter. Criteria: Ambry Variant Classification Scheme 2023. Collection method: clinical testing. Allele origin: germline.

Fulgent Genetics
Classification: Uncertain significance for Mucopolysaccharidosis, MPS-III-C; Retinitis pigmentosa 73. Last evaluated: 2022-04-15. Review status: criteria provided, single submitter. Criteria: ACMG Guidelines, 2015. Collection method: clinical testing. Allele origin: unknown.

Blueprint Genetics
Classification: Uncertain significance. Last evaluated: 2020-01-30. Review status: criteria provided, single submitter. Criteria: ACMG Guidelines, 2015. Collection method: clinical testing. Allele origin: germline.

Illumina Laboratory Services, Illumina
Classification: Uncertain significance for Mucopolysaccharidosis, MPS-III-C. Last evaluated: 2017-04-28. Review status: criteria provided, single submitter. Criteria: ICSL Variant Classification Criteria 13 December 2019. Collection method: clinical testing. Allele origin: germline.